The following is an entry in ClinVar:

NM_001271.4(CHD2):c.294+5C>T

Gene: CHD2 (chromodomain helicase DNA binding protein 2; plus strand). Cytogenetic location: 15q26.1.
Variant type: single nucleotide variant.
Coding change: c.294+5C>T on transcript NM_001271.4 (MANE Select); 5 bases into the intron after coding-DNA position 294, C replaced by T.
Molecular consequence: intron variant.
Genome position (GRCh38, 1-based): chr15:92,924,557, C>T. VCF-style: chr15-92924557-C-T. GRCh37 (hg19) VCF-style: chr15-93467787-C-T.
Other names: c.294+5C>T (NM_001042572.3).
Identifiers: ClinVar variation 392048 (VCV000392048.9), dbSNP rs777934535, ClinGen allele CA7747467.

ClinVar aggregate classification (germline): Conflicting classifications of pathogenicity. Review status: criteria provided, conflicting classifications (1 of 4 stars). 3 submissions from 3 submitters: Uncertain significance (1); Benign (1); Likely benign (1). Last evaluated 2025-04-14.

Conditions:
Inborn genetic diseases. Identifiers: MedGen C0950123, MeSH D030342.
Developmental and epileptic encephalopathy 94 (DEE94). Also called: Epileptic encephalopathy, childhood-onset; CHD2-Related Neurodevelopmental Disorders. Identifiers: Orphanet 1942, Orphanet 2382, MedGen C3809278, MONDO:0014150, OMIM 615369.

Allele frequency attached by ClinVar (database versions not stated): TOPMed 0.00002; gnomAD 0.00003; gnomAD exomes 0.00004 and 0.00008; ExAC 0.00010.
gnomAD v4.1: 27 of 1,612,314 alleles (0.0017%); highest among the groups gnomAD compares: Admixed American, 0.045%; no homozygotes.

Submissions (3):

Labcorp Genetics (formerly Invitae), Labcorp
Classification: Uncertain significance for Developmental and epileptic encephalopathy 94. Last evaluated: 2025-04-14. Review status: criteria provided, single submitter. Criteria: Invitae Variant Classification Sherloc (09022015). Collection method: clinical testing. Allele origin: germline.
Comment: This sequence change falls in intron 3 of the CHD2 gene. It does not directly change the encoded amino acid sequence of the CHD2 protein. It affects a nucleotide within the consensus splice site. This variant is present in population databases (rs777934535, gnomAD 0.06%), and has an allele count higher than expected for a pathogenic variant. This variant has not been reported in the literature in individuals affected with CHD2-related conditions. ClinVar contains an entry for this variant (Variation ID: 392048). Variants that disrupt the consensus splice site are a relatively common cause of aberrant splicing (PMID: 17576681, 9536098). Algorithms developed to predict the effect of sequence changes on RNA splicing suggest that this variant is not likely to affect RNA splicing. In summary, the available evidence is currently insufficient to determine the role of this variant in disease. Therefore, it has been classified as a Variant of Uncertain Significance.

Ambry Genetics
Classification: Benign for Inborn genetic diseases. Last evaluated: 2019-12-10. Review status: criteria provided, single submitter. Criteria: Ambry Variant Classification Scheme 2023. Collection method: clinical testing. Allele origin: germline.

GeneDx
Classification: Likely benign. Last evaluated: 2016-12-30. Review status: criteria provided, single submitter. Criteria: GeneDx Variant Classification (06012015). Collection method: clinical testing. Allele origin: germline. Affected: yes.
Comment: This variant is considered likely benign or benign based on one or more of the following criteria: it is a conservative change, it occurs at a poorly conserved position in the protein, it is predicted to be benign by multiple in silico algorithms, and/or has population frequency not consistent with disease.

Literature cited by the submitters: PubMed 17576681 (cited by Labcorp Genetics (formerly Invitae), Labcorp); PubMed 9536098 (cited by Labcorp Genetics (formerly Invitae), Labcorp).